The following is an entry in ClinVar:

ClinVar aggregate classification (germline): Likely benign. Review status: criteria provided, multiple submitters, no conflicts (2 of 4 stars). 2 submissions from 2 submitters: Likely benign (2). Last evaluated 2024-02-23.

gnomAD v4.1: 87 of 1,613,454 alleles (0.0054%); highest among the groups gnomAD compares: Middle Eastern, 0.017%; no homozygotes.

Submissions (2):

Labcorp Genetics (formerly Invitae), Labcorp
Classification: Likely benign. Last evaluated: 2024-02-23. Review status: criteria provided, single submitter. Criteria: Invitae Variant Classification Sherloc (09022015). Collection method: clinical testing. Allele origin: germline.

CeGaT Center for Human Genetics Tuebingen
Classification: Likely benign. Last evaluated: 2022-12-01. Review status: criteria provided, single submitter. Criteria: CeGaT Center For Human Genetics Tuebingen Variant Classification Criteria Version 2. Collection method: clinical testing. Allele origin: germline. Affected: yes. Observed: 2 variant alleles.
Comment: DARS2: BP4, BP7

NM_018122.5(DARS2):c.765A>G (p.Leu255=)

Gene: DARS2 (aspartyl-tRNA synthetase 2, mitochondrial; plus strand). Cytogenetic location: 1q25.1.
Variant type: single nucleotide variant.
Coding change: c.765A>G on transcript NM_018122.5 (MANE Select); coding-DNA position 765, A replaced by G.
Protein change: p.Leu255=; no amino-acid change (leucine 255 retained).
Molecular consequence: synonymous variant.
Genome position (GRCh38, 1-based): chr1:173,837,041, A>G. VCF-style: chr1-173837041-A-G. GRCh37 (hg19) VCF-style: chr1-173806179-A-G.
Other names: c.765A>G, p.Leu255= (NM_001365212.1, NM_001365213.2).
Identifiers: ClinVar variation 2170709 (VCV002170709.28), dbSNP rs760016649, ClinGen allele CA1250227.